The following is an entry in ClinVar:

ClinVar aggregate classification (germline): Likely benign. Review status: criteria provided, multiple submitters, no conflicts (2 of 4 stars). 3 submissions from 3 submitters: Likely benign (3). Last evaluated 2025-12-23.

Conditions:
SLC37A4-related disorder. Also called: SLC37A4-related condition.
Glucose-6-phosphate transport defect (GSD1B). Also called: GSD Ib; Glycogen Storage Disease Type Ib. Identifiers: Orphanet 364, Orphanet 79259, MedGen C0268146, MONDO:0009288, OMIM 232220.

Allele frequency attached by ClinVar (database versions not stated): ExAC 0.00002; gnomAD 0.00003; TOPMed 0.00005; gnomAD exomes 0.00001.

Submissions (3):

Labcorp Genetics (formerly Invitae), Labcorp
Classification: Likely benign for Glucose-6-phosphate transport defect. Last evaluated: 2025-12-23. Review status: criteria provided, single submitter. Criteria: Invitae Variant Classification Sherloc (09022015). Collection method: clinical testing. Allele origin: germline.

PreventionGenetics, part of Exact Sciences
Classification: Likely benign for SLC37A4-related condition. Last evaluated: 2025-11-12. Review status: criteria provided, single submitter. Criteria: ACMG Guidelines, 2015. Collection method: clinical testing. Allele origin: germline.
Comment: This variant is classified as likely benign based on ACMG/AMP sequence variant interpretation guidelines (Richards et al. 2015 PMID: 25741868, with internal and published modifications).

Blueprint Genetics
Classification: Likely benign. Last evaluated: 2024-08-21. Review status: criteria provided, single submitter. Criteria: ACMG Guidelines, 2015. Collection method: clinical testing. Allele origin: germline.

NM_001164277.2(SLC37A4):c.171G>A (p.Ser57=)

Gene: SLC37A4 (solute carrier family 37 member 4; minus strand). Cytogenetic location: 11q23.3.
Variant type: single nucleotide variant.
Coding change: c.171G>A on transcript NM_001164277.2 (MANE Select); coding-DNA position 171, G replaced by A.
Protein change: p.Ser57=; no amino-acid change (serine 57 retained).
Molecular consequence: synonymous variant. On other transcripts: 5 prime UTR variant (1).
Genome position (GRCh38, 1-based): chr11:119,028,404, C>T on the plus strand (G>A on the coding strand, the complement: SLC37A4 is on the minus strand). VCF-style: chr11-119028404-C-T. GRCh37 (hg19) VCF-style: chr11-118899114-C-T.
Other names: c.171G>A, p.Ser57= (NM_001164278.2, NM_001164280.2, NM_001467.6); c.-49G>A (NM_001164279.2).
Identifiers: ClinVar variation 763385 (VCV000763385.12), dbSNP rs782713974, ClinGen allele CA6311890.